The following is an entry in ClinVar:

NM_003072.5(SMARCA4):c.4739A>T (p.Glu1580Val)

Gene: SMARCA4 (SWI/SNF related BAF chromatin remodeling complex subunit ATPase 4; plus strand). Cytogenetic location: 19p13.2.
Variant type: single nucleotide variant.
Coding change: c.4739A>T on transcript NM_003072.5 (MANE Select); coding-DNA position 4739, A replaced by T.
Protein change: p.Glu1580Val; replaces glutamic acid 1580 with valine.
Molecular consequence: missense variant. On other transcripts: non-coding transcript variant (1).
Genome position (GRCh38, 1-based): chr19:11,059,856, A>T. VCF-style: chr19-11059856-A-T. GRCh37 (hg19) VCF-style: chr19-11170532-A-T.
Other names: c.4739A>T, p.Glu1580Val (NM_001128844.3); c.4649A>T, p.Glu1550Val (NM_001128845.2); c.4646A>T, p.Glu1549Val (NM_001128846.2); c.4640A>T, p.Glu1547Val (NM_001128847.4, NM_001374457.1); c.4637A>T, p.Glu1546Val (NM_001128848.2); c.4835A>T, p.Glu1612Val (NM_001128849.3, NM_001387283.1); c.4736A>T, p.Glu1579Val (NM_001411150.1); short protein forms E1546V, E1550V, E1547V, E1612V, E1579V, E1580V, E1549V.
Identifiers: ClinVar variation 4549709 (VCV004549709.1).
Genomic context (GRCh38, chr19:11,059,856, plus strand): 5'-TGCGGCAGAAAATCGAGAAGGAGGATGACAGTGAAGGCGAGGAGAGTGAGGAGGAGGAAG[A>T]GGGCGAGGAGGAAGGCTCCGAATCCGAATGTGAGTCCCGGGGGGGTTCAGGACGCCGGGG-3'
Protein context (NP_003063.2, residues 1570-1590): SEGEESEEEE[Glu1580Val]GEEEGSESES

ClinVar aggregate classification (germline): Uncertain significance (1 of 4 stars; one submission).

Conditions:
Hereditary cancer-predisposing syndrome. Also called: Tumor predisposition; Hereditary Cancer Syndrome; Hereditary neoplastic syndrome; Neoplastic Syndromes, Hereditary. Identifiers: Orphanet 140162, MedGen C0027672, MeSH D009386, MONDO:0015356.

Submission:

Ambry Genetics
Classification: Uncertain significance for Hereditary cancer-predisposing syndrome. Last evaluated: 2025-11-16. Review status: criteria provided, single submitter. Criteria: Ambry Variant Classification Scheme 2023. Collection method: clinical testing. Allele origin: germline.
Comment: The p.E1612V variant (also known as c.4835A>T), located in coding exon 33 of the SMARCA4 gene, results from an A to T substitution at nucleotide position 4835. The glutamic acid at codon 1612 is replaced by valine, an amino acid with dissimilar properties. This amino acid position is conserved. In addition, the in silico prediction for this alteration is inconclusive. Based on the available evidence, the clinical significance of this variant remains unclear.